The following is an entry in ClinVar:

ClinVar aggregate classification (germline): Uncertain significance (1 of 4 stars; one submission).

gnomAD v4.1: 97 of 1,563,314 alleles (0.0062%); highest among the groups gnomAD compares: East Asian, 0.051%; no homozygotes.

Submission:

Ambry Genetics
Classification: Uncertain significance. Last evaluated: 2024-12-01. Review status: criteria provided, single submitter. Criteria: Ambry Variant Classification Scheme 2023. Collection method: clinical testing. Allele origin: germline.
Comment: The p.H1763N variant (also known as c.5287C>A), located in coding exon 22 of the WNK2 gene, results from a C to A substitution at nucleotide position 5287. The histidine at codon 1763 is replaced by asparagine, an amino acid with similar properties. This amino acid position is conserved. In addition, this alteration is predicted to be tolerated by in silico analysis. Based on the available evidence, the clinical significance of this variant remains unclear.

NM_006648.4(WNK2):c.5287C>A (p.His1763Asn)

Gene: WNK2 (WNK lysine deficient protein kinase 2; plus strand). Cytogenetic location: 9q22.31.
Variant type: single nucleotide variant.
Coding change: c.5287C>A on transcript NM_006648.4 (MANE Select); coding-DNA position 5287, C replaced by A.
Protein change: p.His1763Asn; replaces histidine 1763 with asparagine.
Molecular consequence: missense variant.
Genome position (GRCh38, 1-based): chr9:93,292,752, C>A. VCF-style: chr9-93292752-C-A. GRCh37 (hg19) VCF-style: chr9-96055034-C-A.
Other names: c.5398C>A, p.His1800Asn (NM_001282394.3); short protein forms H1763N, H1800N.
Identifiers: ClinVar variation 3470535 (VCV003470535.1).